The following is an entry in ClinVar:

NM_002951.5(RPN2):c.539T>C (p.Ile180Thr)

Gene: RPN2 (ribophorin II; plus strand). Cytogenetic location: 20q11.23.
Variant type: single nucleotide variant.
Coding change: c.539T>C on transcript NM_002951.5 (MANE Select); coding-DNA position 539, T replaced by C.
Protein change: p.Ile180Thr; replaces isoleucine 180 with threonine.
Molecular consequence: missense variant.
Genome position (GRCh38, 1-based): chr20:37,203,944, T>C. VCF-style: chr20-37203944-T-C. GRCh37 (hg19) VCF-style: chr20-35832347-T-C.
Other names: c.443T>C, p.Ile148Thr (NM_001135771.3); c.539T>C, p.Ile180Thr (NM_001324299.2, NM_001324302.2, NM_001324303.2 and 1 more transcripts); c.587T>C, p.Ile196Thr (NM_001324301.2, NM_001324305.2); c.68T>C, p.Ile23Thr (NM_001324306.2); short protein forms I148T, I23T, I180T, I196T.
Identifiers: ClinVar variation 863434 (VCV000863434.8), dbSNP rs759056271, ClinGen allele CA9846911.

ClinVar aggregate classification (germline): Uncertain significance (1 of 4 stars; one submission).

Conditions:
Congenital disorder of glycosylation (CDG). Also called: Congenital disorders of glycosylation; Carbohydrate-deficient glycoprotein syndrome. Identifiers: Orphanet 137, MedGen C0282577, MONDO:0015286.

Allele frequency attached by ClinVar (database versions not stated): gnomAD exomes below 0.00001 and 0.00001; ExAC 0.00001; gnomAD 0.00001; TOPMed 0.00002.
gnomAD v4.1: 10 of 1,613,578 alleles (0.00062%); highest among the groups gnomAD compares: Admixed American, 0.0017%; no homozygotes.

Submission:

Labcorp Genetics (formerly Invitae), Labcorp
Classification: Uncertain significance for Congenital disorder of glycosylation. Last evaluated: 2019-12-03. Review status: criteria provided, single submitter. Criteria: Invitae Variant Classification Sherloc (09022015). Collection method: clinical testing. Allele origin: germline.
Comment: This sequence change replaces isoleucine with threonine at codon 180 of the RPN2 protein (p.Ile180Thr). The isoleucine residue is highly conserved and there is a moderate physicochemical difference between isoleucine and threonine. This variant is present in population databases (rs759056271, ExAC 0.002%). This variant has not been reported in the literature in individuals with RPN2-related conditions. Algorithms developed to predict the effect of missense changes on protein structure and function are either unavailable or do not agree on the potential impact of this missense change (SIFT: "Deleterious"; PolyPhen-2: "Probably Damaging"; Align-GVGD: "Class C0"). In summary, the available evidence is currently insufficient to determine the role of this variant in disease. Therefore, it has been classified as a Variant of Uncertain Significance.